The following is an entry in ClinVar:

ClinVar aggregate classification (germline): Uncertain significance (1 of 4 stars; one submission).

gnomAD v4.1: 3 of 1,614,024 alleles (0.00019%); highest among the groups gnomAD compares: African/African-American, 0.0013%; no homozygotes.

Submission:

Mayo Clinic Laboratories, Mayo Clinic
Classification: Uncertain significance. Last evaluated: 2024-04-01. Review status: criteria provided, single submitter. Criteria: ACMG Guidelines, 2015. Collection method: clinical testing. Allele origin: germline. Observed: 1 variant allele.
Comment: PP3, PM5

NM_005609.4(PYGM):c.2144G>A (p.Arg715Gln)

Gene: PYGM (glycogen phosphorylase, muscle associated; minus strand). Cytogenetic location: 11q13.1.
Variant type: single nucleotide variant.
Coding change: c.2144G>A on transcript NM_005609.4 (MANE Select); coding-DNA position 2144, G replaced by A.
Protein change: p.Arg715Gln; replaces arginine 715 with glutamine.
Molecular consequence: missense variant.
Genome position (GRCh38, 1-based): chr11:64,750,409, C>T on the plus strand (G>A on the coding strand, the complement: PYGM is on the minus strand). VCF-style: chr11-64750409-C-T. GRCh37 (hg19) VCF-style: chr11-64517881-C-T.
Other names: p.Arg715Gln; c.1880G>A, p.Arg627Gln (NM_001164716.1); short protein forms R627Q, R715Q.
Identifiers: ClinVar variation 3380025 (VCV003380025.1).